The following is an entry in ClinVar:

NM_001079802.2(FKTN):c.730C>T (p.His244Tyr)

Gene: FKTN (fukutin; plus strand). Cytogenetic location: 9q31.2.
Variant type: single nucleotide variant.
Coding change: c.730C>T on transcript NM_001079802.2 (MANE Select); coding-DNA position 730, C replaced by T.
Protein change: p.His244Tyr; replaces histidine 244 with tyrosine.
Molecular consequence: missense variant. On other transcripts: non-coding transcript variant (2).
Genome position (GRCh38, 1-based): chr9:105,607,901, C>T. VCF-style: chr9-105607901-C-T. GRCh37 (hg19) VCF-style: chr9-108370182-C-T.
Other names: c.730C>T, p.His244Tyr (NM_001198963.2, NM_001351496.2, NM_001351498.2 and 1 more transcripts); c.661C>T, p.His221Tyr (NM_001351497.2); c.334C>T, p.His112Tyr (NM_001351499.2, NM_001351500.2, NM_001351501.2 and 1 more transcripts); short protein forms H112Y, H221Y, H244Y.
Identifiers: ClinVar variation 1015768 (VCV001015768.6), dbSNP rs1194640294, ClinGen allele CA374332632.

ClinVar aggregate classification (germline): Uncertain significance (1 of 4 stars; one submission).

Conditions:
Walker-Warburg congenital muscular dystrophy. Also called: Muscular dystrophy-dystroglycanopathy, type A; Walker-Warburg syndrome. Identifiers: Orphanet 899, MedGen C0265221, MONDO:0000171.

Allele frequency attached by ClinVar (database versions not stated): TOPMed 0.00002.

Submission:

Labcorp Genetics (formerly Invitae), Labcorp
Classification: Uncertain significance for Walker-Warburg congenital muscular dystrophy. Last evaluated: 2021-08-24. Review status: criteria provided, single submitter. Criteria: Invitae Variant Classification Sherloc (09022015). Collection method: clinical testing. Allele origin: germline.
Comment: This sequence change replaces histidine with tyrosine at codon 244 of the FKTN protein (p.His244Tyr). The histidine residue is moderately conserved and there is a moderate physicochemical difference between histidine and tyrosine. This variant is not present in population databases (ExAC no frequency). This variant has not been reported in the literature in individuals affected with FKTN-related conditions. Algorithms developed to predict the effect of missense changes on protein structure and function (SIFT, PolyPhen-2, Align-GVGD) all suggest that this variant is likely to be tolerated. In summary, the available evidence is currently insufficient to determine the role of this variant in disease. Therefore, it has been classified as a Variant of Uncertain Significance.